The following is an entry in ClinVar:

NM_001018005.2(TPM1):c.57G>T (p.Leu19Phe)

Gene: TPM1 (tropomyosin 1; plus strand). Cytogenetic location: 15q22.2.
Variant type: single nucleotide variant.
Coding change: c.57G>T on transcript NM_001018005.2 (MANE Select); coding-DNA position 57, G replaced by T.
Protein change: p.Leu19Phe; replaces leucine 19 with phenylalanine.
Molecular consequence: missense variant. On other transcripts: non-coding transcript variant (11).
Genome position (GRCh38, 1-based): chr15:63,042,886, G>T. VCF-style: chr15-63042886-G-T. GRCh37 (hg19) VCF-style: chr15-63335085-G-T.
Other names: c.57G>T, p.Leu19Phe (NM_000366.6, NM_001018004.2, NM_001018006.2 and 24 more transcripts); short protein forms L19F.
Identifiers: ClinVar variation 2586916 (VCV002586916.2), dbSNP rs2542412314, ClinGen allele CA392718039.
Genomic context (GRCh38, chr15:63,042,886, plus strand): 5'-CACCATGGACGCCATCAAGAAGAAGATGCAGATGCTGAAGCTCGACAAGGAGAACGCCTT[G>T]GATCGAGCTGAGCAGGCGGAGGCCGACAAGAAGGCGGCGGAAGACAGGAGCAAGCAGGTC-3'
Protein context (NP_001018005.1, residues 9-29): QMLKLDKENA[Leu19Phe]DRAEQAEADK

ClinVar aggregate classification (germline): Uncertain significance (1 of 4 stars; one submission).

Conditions:
Cardiovascular phenotype. Identifiers: MedGen CN230736.

Submission:

Ambry Genetics
Classification: Uncertain significance for Cardiovascular phenotype. Last evaluated: 2023-08-30. Review status: criteria provided, single submitter. Criteria: Ambry Variant Classification Scheme 2023. Collection method: clinical testing. Allele origin: germline.
Comment: The p.L19F variant (also known as c.57G>T), located in coding exon 1 of the TPM1 gene, results from a G to T substitution at nucleotide position 57. The leucine at codon 19 is replaced by phenylalanine, an amino acid with highly similar properties. This amino acid position is well conserved in available vertebrate species. In addition, the in silico prediction for this alteration is inconclusive. Since supporting evidence is limited at this time, the clinical significance of this alteration remains unclear.